The following is an entry in ClinVar:

ClinVar aggregate classification (germline): Pathogenic/Likely pathogenic. Review status: criteria provided, multiple submitters, no conflicts (2 of 4 stars). 2 submissions from 2 submitters: Pathogenic (1); Likely pathogenic (1). Last evaluated 2025-07-10.

Conditions:
Seizures, benign familial infantile, 2 (BFIS2). Also called: CONVULSIONS, BENIGN FAMILIAL INFANTILE, 2. Identifiers: Orphanet 306, MedGen C1853995, MONDO:0011593, OMIM 605751.
Infantile convulsions and choreoathetosis (ICCA). Also called: PAROXYSMAL KINESIGENIC DYSKINESIA WITH INFANTILE CONVULSIONS; PRRT2-Related Paroxysmal Kinesigenic Dyskinesia with Infantile Convulsions (PKD/IC). Identifiers: Orphanet 31709, MedGen C1865926, MONDO:0011178, OMIM 602066.
Episodic kinesigenic dyskinesia 1 (EKD1). Also called: DYSTONIA, FAMILIAL PAROXYSMAL; PAROXYSMAL KINESIGENIC CHOREOATHETOSIS; Dystonia 10; PRRT2-Related Paroxysmal Kinesigenic Dyskinesia (PKD); PxMD-PRRT2. Identifiers: Orphanet 98809, MedGen C4552000, MONDO:0100352, OMIM 128200, MONDO:0007494.

Submissions (2):

GeneDx
Classification: Pathogenic. Last evaluated: 2025-07-10. Review status: criteria provided, single submitter. Criteria: GeneDx Variant Classification Process June 2021. Collection method: clinical testing. Allele origin: germline. Affected: yes.
Comment: Frameshift variant predicted to result in protein truncation or nonsense mediated decay in a gene for which loss of function is a known mechanism of disease; Not observed at significant frequency in large population cohorts (gnomAD); Has not been previously published as pathogenic or benign to our knowledge

Fulgent Genetics
Classification: Likely pathogenic for Episodic kinesigenic dyskinesia 1; Infantile convulsions and choreoathetosis; Seizures, benign familial infantile, 2. Last evaluated: 2024-01-17. Review status: criteria provided, single submitter. Criteria: ACMG Guidelines, 2015. Collection method: clinical testing. Allele origin: germline.

NM_145239.3(PRRT2):c.107_110del (p.Gln36fs)

Genes: MVP-DT (MVP divergent transcript; minus strand), PRRT2 (proline rich transmembrane protein 2; plus strand). Cytogenetic location: 16p11.2.
Variant type: Deletion.
Coding change: c.107_110del on transcript NM_145239.3 (MANE Select); coding-DNA positions 107 to 110, 4 bases deleted (AGGT; older notation c.107_110delAGGT).
Protein change: p.Gln36fs; shifts the reading frame from glutamine 36.
Molecular consequence: frameshift variant.
Genome position (GRCh38, 1-based): chr16:29,813,161-29,813,164, AGGT deleted. VCF-style (leftmost placement, unchanged base first): chr16-29813160-CAGGT-C. GRCh37 (hg19) VCF-style: chr16-29824481-CAGGT-C.
Other names: c.107_110del, p.Gln36fs (NM_001256442.2, NM_001256443.2); short protein forms Q36fs.
Identifiers: ClinVar variation 3580043 (VCV003580043.2).